The following is an entry in ClinVar:

ClinVar aggregate classification (germline): Uncertain significance. Review status: criteria provided, multiple submitters, no conflicts (2 of 4 stars). 2 submissions from 2 submitters: Uncertain significance (2). Last evaluated 2026-03-10.

Conditions:
Cardiovascular phenotype. Identifiers: MedGen CN230736.

gnomAD v4.1: 23 of 1,612,788 alleles (0.0014%); highest among the groups gnomAD compares: Non-Finnish European, 0.0019%; no homozygotes.

Submissions (2):

Women's Health and Genetics/Laboratory Corporation of America, LabCorp
Classification: Uncertain significance. Last evaluated: 2026-03-10. Review status: criteria provided, single submitter. Criteria: LabCorp Variant Classification Summary - May 2015. Collection method: clinical testing. Allele origin: germline.
Comment: Variant summary: CHST14 c.1034G>A (p.Arg345Gln) results in a conservative amino acid change in the encoded protein sequence. Algorithms developed to predict the effect of missense changes on protein structure and function all suggest that this variant is likely to be tolerated. The variant allele was found at a frequency of 4e-06 in 250416 control chromosomes. The available data on variant occurrences in the general population are insufficient to allow any conclusion about variant significance. To our knowledge, no occurrence of c.1034G>A in individuals affected with CHST14-related conditions and no experimental evidence demonstrating its impact on protein function have been reported. ClinVar contains an entry for this variant (Variation ID: 3492707). Based on the evidence outlined above, the variant was classified as uncertain significance.

Ambry Genetics
Classification: Uncertain significance for Cardiovascular phenotype. Last evaluated: 2025-03-23. Review status: criteria provided, single submitter. Criteria: Ambry Variant Classification Scheme 2023. Collection method: clinical testing. Allele origin: germline.
Comment: The p.R345Q variant (also known as c.1034G>A), located in coding exon 1 of the CHST14 gene, results from a G to A substitution at nucleotide position 1034. The arginine at codon 345 is replaced by glutamine, an amino acid with highly similar properties. This amino acid position is conserved. In addition, this alteration is predicted to be tolerated by in silico analysis. Based on the available evidence, the clinical significance of this variant remains unclear.

NM_130468.4(CHST14):c.1034G>A (p.Arg345Gln)

Gene: CHST14 (carbohydrate sulfotransferase 14; plus strand). Cytogenetic location: 15q15.1.
Variant type: single nucleotide variant.
Coding change: c.1034G>A on transcript NM_130468.4 (MANE Select); coding-DNA position 1034, G replaced by A.
Protein change: p.Arg345Gln; replaces arginine 345 with glutamine.
Molecular consequence: missense variant.
Genome position (GRCh38, 1-based): chr15:40,472,247, G>A. VCF-style: chr15-40472247-G-A. GRCh37 (hg19) VCF-style: chr15-40764446-G-A.
Other names: short protein forms R345Q.
Identifiers: ClinVar variation 3492707 (VCV003492707.3).
Genomic context (GRCh38, chr15:40,472,247, plus strand): 5'-AGGCCTGGTACCGGCCAGCCAGCCCCGAAAGCCTGCATTACCACTTGTGCAGTGCCCCCC[G>A]GGCCCTGCTGCAGGATGTGCTGCCTAAGTATATCCTGGACTTCTCCCTCTTTGCCTACCC-3'
Protein context (NP_569735.1, residues 335-355): SLHYHLCSAP[Arg345Gln]ALLQDVLPKY